The following is an entry in ClinVar:

NM_006231.4(POLE):c.6847C>G (p.Gln2283Glu)

Gene: POLE (DNA polymerase epsilon, catalytic subunit; minus strand). Cytogenetic location: 12q24.33.
Variant type: single nucleotide variant.
Coding change: c.6847C>G on transcript NM_006231.4 (MANE Select); coding-DNA position 6847, C replaced by G.
Protein change: p.Gln2283Glu; replaces glutamine 2283 with glutamic acid.
Molecular consequence: missense variant.
Genome position (GRCh38, 1-based): chr12:132,624,711, G>C on the plus strand (C>G on the coding strand, the complement: POLE is on the minus strand). VCF-style: chr12-132624711-G-C. GRCh37 (hg19) VCF-style: chr12-133201297-G-C.
Other names: c.6847C>G (NM_006231.2); short protein forms Q2283E.
Identifiers: ClinVar variation 473816 (VCV000473816.11), dbSNP rs1267521228, ClinGen allele CA387365584.

ClinVar aggregate classification (germline): Conflicting classifications of pathogenicity. Review status: criteria provided, conflicting classifications (1 of 4 stars). 3 submissions from 3 submitters: Uncertain significance (2); Likely benign (1). Last evaluated 2025-11-22.

Conditions:
Hereditary cancer-predisposing syndrome. Also called: Neoplastic Syndromes, Hereditary; Tumor predisposition; Hereditary Cancer Syndrome; Hereditary neoplastic syndrome. Identifiers: Orphanet 140162, MedGen C0027672, MeSH D009386, MONDO:0015356.

Allele frequency attached by ClinVar (database versions not stated): gnomAD exomes below 0.00001.
gnomAD v4.1: 1 of 1,609,602 alleles (0.000062%); highest among the groups gnomAD compares: Admixed American, 0.0017%; no homozygotes.

Submissions (3):

Labcorp Genetics (formerly Invitae), Labcorp
Classification: Uncertain significance. Last evaluated: 2025-11-22. Review status: criteria provided, single submitter. Criteria: Invitae Variant Classification Sherloc (09022015). Collection method: clinical testing. Allele origin: germline.
Comment: This sequence change replaces glutamine, which is neutral and polar, with glutamic acid, which is acidic and polar, at codon 2283 of the POLE protein (p.Gln2283Glu). This variant is present in population databases (no rsID available, gnomAD 0.003%). This variant has not been reported in the literature in individuals affected with POLE-related conditions. ClinVar contains an entry for this variant (Variation ID: 473816). An algorithm developed to predict the effect of missense changes on protein structure and function outputs the following: PolyPhen-2: "Benign". The glutamic acid amino acid residue is found in multiple mammalian species, which suggests that this missense change does not adversely affect protein function. In summary, the available evidence is currently insufficient to determine the role of this variant in disease. Therefore, it has been classified as a Variant of Uncertain Significance.

Ambry Genetics
Classification: Likely benign for Hereditary cancer-predisposing syndrome. Last evaluated: 2025-03-06. Review status: criteria provided, single submitter. Criteria: Ambry Variant Classification Scheme 2023. Collection method: clinical testing. Allele origin: germline.

GeneDx
Classification: Uncertain significance. Last evaluated: 2023-10-12. Review status: criteria provided, single submitter. Criteria: GeneDx Variant Classification Process June 2021. Collection method: clinical testing. Allele origin: germline. Affected: yes.
Comment: Not observed at significant frequency in large population cohorts (gnomAD); In silico analysis supports that this missense variant does not alter protein structure/function; Has not been previously published as pathogenic or benign to our knowledge